The following is an entry in ClinVar:

ClinVar aggregate classification (germline): Uncertain significance (1 of 4 stars; one submission).

gnomAD v4.1: 2 of 1,613,778 alleles (0.00012%); highest among the groups gnomAD compares: Non-Finnish European, 0.000085%; no homozygotes.

Submission:

Labcorp Genetics (formerly Invitae), Labcorp
Classification: Uncertain significance. Last evaluated: 2025-09-29. Review status: criteria provided, single submitter. Criteria: Invitae Variant Classification Sherloc (09022015). Collection method: clinical testing. Allele origin: germline.
Comment: This sequence change replaces serine, which is neutral and polar, with threonine, which is neutral and polar, at codon 1951 of the MYO15A protein (p.Ser1951Thr). This variant is not present in population databases (gnomAD no frequency). This variant has not been reported in the literature in individuals affected with MYO15A-related conditions. Invitae Evidence Modeling of protein sequence and biophysical properties (such as structural, functional, and spatial information, amino acid conservation, physicochemical variation, residue mobility, and thermodynamic stability) indicates that this missense variant is not expected to disrupt MYO15A protein function with a negative predictive value of 95%. In summary, the available evidence is currently insufficient to determine the role of this variant in disease. Therefore, it has been classified as a Variant of Uncertain Significance.

NM_016239.4(MYO15A):c.5852G>C (p.Ser1951Thr)

Gene: MYO15A (myosin XVA; plus strand). Cytogenetic location: 17p11.2.
Variant type: single nucleotide variant.
Coding change: c.5852G>C on transcript NM_016239.4 (MANE Select); coding-DNA position 5852, G replaced by C.
Protein change: p.Ser1951Thr; replaces serine 1951 with threonine.
Molecular consequence: missense variant.
Genome position (GRCh38, 1-based): chr17:18,142,782, G>C. VCF-style: chr17-18142782-G-C. GRCh37 (hg19) VCF-style: chr17-18046096-G-C.
Other names: short protein forms S1951T.
Identifiers: ClinVar variation 4807603 (VCV004807603.1).